The following is an entry in ClinVar:

NM_198859.4(PRICKLE2):c.2416A>C (p.Ser806Arg)

Genes: PRICKLE2 (prickle planar cell polarity protein 2; minus strand), PRICKLE2-AS1 (PRICKLE2 antisense RNA 1; plus strand). Cytogenetic location: 3p14.1.
Variant type: single nucleotide variant.
Coding change: c.2416A>C on transcript NM_198859.4 (MANE Select); coding-DNA position 2416, A replaced by C.
Protein change: p.Ser806Arg; replaces serine 806 with arginine.
Molecular consequence: missense variant. On other transcripts: non-coding transcript variant (1).
Genome position (GRCh38, 1-based): chr3:64,099,170, T>G on the plus strand (A>C on the coding strand, the complement: PRICKLE2 is on the minus strand). VCF-style: chr3-64099170-T-G. GRCh37 (hg19) VCF-style: chr3-64084846-T-G.
Other names: c.2416A>C, p.Ser806Arg (NM_001370528.1); short protein forms S806R.
Identifiers: ClinVar variation 2192475 (VCV002192475.6), dbSNP rs1481689588, ClinGen allele CA353425758.

ClinVar aggregate classification (germline): Uncertain significance. Review status: criteria provided, multiple submitters, no conflicts (2 of 4 stars). 2 submissions from 2 submitters: Uncertain significance (2). Last evaluated 2026-04-20.

Conditions:
Progressive myoclonic epilepsy type 5. Identifiers: Orphanet 402082, MedGen C5190799.

Allele frequency attached by ClinVar (database versions not stated): gnomAD 0.00001.
gnomAD v4.1: 3 of 1,614,130 alleles (0.00019%); highest among the groups gnomAD compares: African/African-American, 0.0027%; no homozygotes.

Submissions (2):

Dasa
Classification: Uncertain significance. Last evaluated: 2026-04-20. Review status: criteria provided, single submitter. Criteria: DASA Assertion Criteria. Collection method: clinical testing. Allele origin: germline.
Comment: NM_198859.4(PRICKLE2):c.2416A>C (p.Ser806Arg) is a missense variant that results in the substitution of serine with arginine. This variant is rare in population databases. The currently available literature and clinical evidence are not sufficient to establish a definitive association between this variant and the reported condition. Therefore, this variant is classified as a variant of uncertain significance.

Labcorp Genetics (formerly Invitae), Labcorp
Classification: Uncertain significance for Progressive myoclonic epilepsy type 5. Last evaluated: 2023-06-25. Review status: criteria provided, single submitter. Criteria: Invitae Variant Classification Sherloc (09022015). Collection method: clinical testing. Allele origin: germline.
Comment: This sequence change replaces serine, which is neutral and polar, with arginine, which is basic and polar, at codon 806 of the PRICKLE2 protein (p.Ser806Arg). This variant is not present in population databases (gnomAD no frequency). This variant has not been reported in the literature in individuals affected with PRICKLE2-related conditions. ClinVar contains an entry for this variant (Variation ID: 2192475). An algorithm developed to predict the effect of missense changes on protein structure and function (PolyPhen-2) suggests that this variant is likely to be disruptive. In summary, the available evidence is currently insufficient to determine the role of this variant in disease. Therefore, it has been classified as a Variant of Uncertain Significance.